The following is an entry in ClinVar:

NM_014989.7(RIMS1):c.4599C>T (p.Thr1533=)

Gene: RIMS1 (regulating synaptic membrane exocytosis 1; plus strand). Cytogenetic location: 6q13.
Variant type: single nucleotide variant.
Coding change: c.4599C>T on transcript NM_014989.7 (MANE Select); coding-DNA position 4599, C replaced by T.
Protein change: p.Thr1533=; no amino-acid change (threonine 1533 retained).
Molecular consequence: synonymous variant.
Genome position (GRCh38, 1-based): chr6:72,392,791, C>T. VCF-style: chr6-72392791-C-T. GRCh37 (hg19) VCF-style: chr6-73102493-C-T.
Other names: c.2559C>T, p.Thr853= (NM_001168407.2); c.1974C>T, p.Thr658= (NM_001168408.2, NM_001350430.2); c.1803C>T, p.Thr601= (NM_001168409.2); c.2001C>T, p.Thr667= (NM_001168410.2); c.180C>T, p.Thr60= (NM_001168411.2); c.2520C>T, p.Thr840= (NM_001350414.2); c.2616C>T, p.Thr872= (NM_001350415.2); c.2565C>T, p.Thr855= (NM_001350416.2); and 54 more.
Identifiers: ClinVar variation 909233 (VCV000909233.12), dbSNP rs200818374, ClinGen allele CA3886554.

ClinVar aggregate classification (germline): Benign/Likely benign. Review status: criteria provided, multiple submitters, no conflicts (2 of 4 stars). 3 submissions from 3 submitters: Benign (1); Likely benign (2). Last evaluated 2025-04-11.

Conditions:
Cone-rod dystrophy 7 (CORD7). Identifiers: Orphanet 1872, MedGen C1863634, MONDO:0011355, OMIM 603649.

Allele frequency attached by ClinVar (database versions not stated): gnomAD 0.00002 and 0.00003; TOPMed 0.00004; gnomAD exomes 0.00011; ExAC 0.00012; 1000 Genomes Project 30x 0.00016; ESP Exome Variant Server 0.00017; 1000 Genomes Project 0.00020.
gnomAD v4.1: 67 of 1,611,646 alleles (0.0042%); highest among the groups gnomAD compares: Non-Finnish European, 0.00051%; no homozygotes.

Submissions (3):

Labcorp Genetics (formerly Invitae), Labcorp
Classification: Benign. Last evaluated: 2025-04-11. Review status: criteria provided, single submitter. Criteria: Invitae Variant Classification Sherloc (09022015). Collection method: clinical testing. Allele origin: germline.

Blueprint Genetics
Classification: Likely benign. Last evaluated: 2024-10-17. Review status: criteria provided, single submitter. Criteria: ACMG Guidelines, 2015. Collection method: clinical testing. Allele origin: germline.

Illumina Laboratory Services, Illumina
Classification: Likely benign for Cone-rod dystrophy 7. Last evaluated: 2018-01-12. Review status: criteria provided, single submitter. Criteria: ICSL Variant Classification Criteria 13 December 2019. Collection method: clinical testing. Allele origin: germline.
Comment: This variant was observed in the ICSL laboratory as part of a predisposition screen in an ostensibly healthy population. It had not been previously curated by ICSL or reported in the Human Gene Mutation Database (HGMD: prior to June 1st, 2018), and was therefore a candidate for classification through an automated scoring system. Utilizing variant allele frequency, disease prevalence and penetrance estimates, and inheritance mode, an automated score was calculated to assess if this variant is too frequent to cause the disease. Based on the score and internal cut-off values, a variant classified as likely benign is not then subjected to further curation. The score for this variant resulted in a classification of likely benign for this disease.